The following is an entry in ClinVar:

NM_005787.6(ALG3):c.812A>G (p.His271Arg)

Gene: ALG3 (ALG3 alpha-1,3- mannosyltransferase; minus strand). Cytogenetic location: 3q27.1.
Variant type: single nucleotide variant.
Coding change: c.812A>G on transcript NM_005787.6 (MANE Select); coding-DNA position 812, A replaced by G.
Protein change: p.His271Arg; replaces histidine 271 with arginine.
Molecular consequence: missense variant. On other transcripts: non-coding transcript variant (2).
Genome position (GRCh38, 1-based): chr3:184,243,911, T>C on the plus strand (A>G on the coding strand, the complement: ALG3 is on the minus strand). VCF-style: chr3-184243911-T-C. GRCh37 (hg19) VCF-style: chr3-183961699-T-C.
Other names: c.668A>G, p.His223Arg (NM_001006941.2); short protein forms H223R, H271R.
Identifiers: ClinVar variation 1437563 (VCV001437563.6), dbSNP rs2108440706, ClinGen allele CA355418986.
Genomic context (GRCh38, chr3:184,243,911, plus strand): 5'-AGGTGGAAGGCTCGATGCAGGAAGAGCGCCTCTGGGAGGAAGCGCCAGTTCACTGTCCAG[T>C]GGAACAGAAACTGGCGGCCAAGGTCAAAGGAGCGGGACAGGTAGCCGCTGGGGTTCTCCA-3'
Protein context (NP_005778.1, residues 261-281): SFDLGRQFLF[His271Arg]WTVNWRFLPE

ClinVar aggregate classification (germline): Uncertain significance (1 of 4 stars; one submission).

Conditions:
ALG3-congenital disorder of glycosylation. Also called: CONGENITAL DISORDER OF GLYCOSYLATION, TYPE Id; ALG3-CDG; CDG Id; CARBOHYDRATE-DEFICIENT GLYCOPROTEIN SYNDROME, TYPE IV; CDGS, TYPE IV. Identifiers: Orphanet 79321, MedGen C1832736, MONDO:0010998, OMIM 601110.

Submission:

Labcorp Genetics (formerly Invitae), Labcorp
Classification: Uncertain significance for ALG3-congenital disorder of glycosylation. Last evaluated: 2024-08-13. Review status: criteria provided, single submitter. Criteria: Invitae Variant Classification Sherloc (09022015). Collection method: clinical testing. Allele origin: germline.
Comment: This sequence change replaces histidine, which is basic and polar, with arginine, which is basic and polar, at codon 271 of the ALG3 protein (p.His271Arg). This variant is not present in population databases (gnomAD no frequency). This variant has not been reported in the literature in individuals affected with ALG3-related conditions. ClinVar contains an entry for this variant (Variation ID: 1437563). Advanced modeling of protein sequence and biophysical properties (such as structural, functional, and spatial information, amino acid conservation, physicochemical variation, residue mobility, and thermodynamic stability) performed at Invitae indicates that this missense variant is not expected to disrupt ALG3 protein function with a negative predictive value of 80%. In summary, the available evidence is currently insufficient to determine the role of this variant in disease. Therefore, it has been classified as a Variant of Uncertain Significance.